The following is an entry in ClinVar:

NM_002496.4(NDUFS8):c.424C>T (p.Arg142Cys)

Gene: NDUFS8 (NADH:ubiquinone oxidoreductase core subunit S8; plus strand). Cytogenetic location: 11q13.2.
Variant type: single nucleotide variant.
Coding change: c.424C>T on transcript NM_002496.4 (MANE Select); coding-DNA position 424, C replaced by T.
Protein change: p.Arg142Cys; replaces arginine 142 with cysteine.
Molecular consequence: missense variant.
Genome position (GRCh38, 1-based): chr11:68,036,304, C>T. VCF-style: chr11-68036304-C-T. GRCh37 (hg19) VCF-style: chr11-67803771-C-T.
Other names: short protein forms R142C.
Identifiers: ClinVar variation 3366280 (VCV003366280.1).

ClinVar aggregate classification (germline): Uncertain significance (1 of 4 stars; one submission).

Submission:

GeneDx
Classification: Uncertain significance. Last evaluated: 2023-10-20. Review status: criteria provided, single submitter. Criteria: GeneDx Variant Classification Process June 2021. Collection method: clinical testing. Allele origin: germline. Affected: yes.
Comment: Not observed at significant frequency in large population cohorts (gnomAD); In silico analysis supports that this missense variant has a deleterious effect on protein structure/function; Has not been previously published as pathogenic or benign to our knowledge